The following is an entry in ClinVar:

NM_014915.3(ANKRD26):c.2660A>C (p.Lys887Thr)

Gene: ANKRD26 (ankyrin repeat domain containing 26; minus strand). Cytogenetic location: 10p12.1.
Variant type: single nucleotide variant.
Coding change: c.2660A>C on transcript NM_014915.3 (MANE Select); coding-DNA position 2660, A replaced by C.
Protein change: p.Lys887Thr; replaces lysine 887 with threonine.
Molecular consequence: missense variant.
Genome position (GRCh38, 1-based): chr10:27,037,223, T>G on the plus strand (A>C on the coding strand, the complement: ANKRD26 is on the minus strand). VCF-style: chr10-27037223-T-G. GRCh37 (hg19) VCF-style: chr10-27326152-T-G.
Other names: c.2657A>C, p.Lys886Thr (NM_001256053.2); short protein forms K886T, K887T.
Identifiers: ClinVar variation 3296867 (VCV003296867.2).

ClinVar aggregate classification (germline): Uncertain significance (1 of 4 stars; one submission).

Conditions:
Inborn genetic diseases. Identifiers: MedGen C0950123, MeSH D030342.

gnomAD v4.1: 6 of 1,613,810 alleles (0.00037%); highest among the groups gnomAD compares: East Asian, 0.0089%; no homozygotes.

Submission:

Ambry Genetics
Classification: Uncertain significance for Inborn genetic diseases. Last evaluated: 2025-05-01. Review status: criteria provided, single submitter. Criteria: Ambry Variant Classification Scheme 2023. Collection method: clinical testing. Allele origin: germline.
Comment: The p.K887T variant (also known as c.2660A>C), located in coding exon 23 of the ANKRD26 gene, results from an A to C substitution at nucleotide position 2660. The lysine at codon 887 is replaced by threonine, an amino acid with similar properties. This amino acid position is conserved. In addition, this alteration is predicted to be tolerated by in silico analysis. Based on the available evidence, the clinical significance of this variant remains unclear.